The following is an entry in ClinVar:

ClinVar aggregate classification (germline): Uncertain significance (1 of 4 stars; one submission).

Allele frequency attached by ClinVar (database versions not stated): TOPMed 0.00004; gnomAD 0.00005.
gnomAD v4.1: 8 of 1,210,550 alleles (0.00066%); highest among the groups gnomAD compares: African/African-American, 0.01%; no homozygotes.

Submission:

Labcorp Genetics (formerly Invitae), Labcorp
Classification: Uncertain significance. Last evaluated: 2024-08-13. Review status: criteria provided, single submitter. Criteria: Invitae Variant Classification Sherloc (09022015). Collection method: clinical testing. Allele origin: germline.
Comment: This sequence change replaces methionine, which is neutral and non-polar, with leucine, which is neutral and non-polar, at codon 50 of the OPHN1 protein (p.Met50Leu). This variant is not present in population databases (gnomAD no frequency). This variant has not been reported in the literature in individuals affected with OPHN1-related conditions. An algorithm developed to predict the effect of missense changes on protein structure and function (PolyPhen-2) suggests that this variant is likely to be tolerated. In summary, the available evidence is currently insufficient to determine the role of this variant in disease. Therefore, it has been classified as a Variant of Uncertain Significance.

NM_002547.3(OPHN1):c.148A>C (p.Met50Leu)

Gene: OPHN1 (oligophrenin 1; minus strand). Cytogenetic location: Xq12.
Variant type: single nucleotide variant.
Coding change: c.148A>C on transcript NM_002547.3 (MANE Select); coding-DNA position 148, A replaced by C.
Protein change: p.Met50Leu; replaces methionine 50 with leucine.
Molecular consequence: missense variant.
Genome position (GRCh38, 1-based): chrX:68,432,873, T>G on the plus strand (A>C on the coding strand, the complement: OPHN1 is on the minus strand). VCF-style: chrX-68432873-T-G. GRCh37 (hg19) VCF-style: chrX-67652715-T-G.
Other names: short protein forms M50L.
Identifiers: ClinVar variation 2887949 (VCV002887949.3), dbSNP rs367993068, ClinGen allele CA413434958.